The following is an entry in ClinVar:

ClinVar aggregate classification (germline): Uncertain significance. Review status: criteria provided, multiple submitters, no conflicts (2 of 4 stars). 2 submissions from 2 submitters: Uncertain significance (2). Last evaluated 2025-11-11.

Conditions:
Inborn genetic diseases. Identifiers: MedGen C0950123, MeSH D030342.

Allele frequency attached by ClinVar (database versions not stated): gnomAD exomes 0.00001; ExAC 0.00002; gnomAD 0.00005; TOPMed 0.00008; ESP Exome Variant Server 0.00015.
gnomAD v4.1: 16 of 1,614,066 alleles (0.00099%); highest among the groups gnomAD compares: African/African-American, 0.021%; no homozygotes.

Submissions (2):

Labcorp Genetics (formerly Invitae), Labcorp
Classification: Uncertain significance. Last evaluated: 2025-11-11. Review status: criteria provided, single submitter. Criteria: Invitae Variant Classification Sherloc (09022015). Collection method: clinical testing. Allele origin: germline.
Comment: This sequence change replaces threonine, which is neutral and polar, with serine, which is neutral and polar, at codon 846 of the DSG1 protein (p.Thr846Ser). This variant is present in population databases (rs374988884, gnomAD 0.04%). This variant has not been reported in the literature in individuals affected with DSG1-related conditions. ClinVar contains an entry for this variant (Variation ID: 2713703). An algorithm developed to predict the effect of missense changes on protein structure and function outputs the following: PolyPhen-2: "Benign". The serine amino acid residue is found in multiple mammalian species, which suggests that this missense change does not adversely affect protein function. In summary, the available evidence is currently insufficient to determine the role of this variant in disease. Therefore, it has been classified as a Variant of Uncertain Significance.

Ambry Genetics
Classification: Uncertain significance for Inborn genetic diseases. Last evaluated: 2024-07-10. Review status: criteria provided, single submitter. Criteria: Ambry Variant Classification Scheme 2023. Collection method: clinical testing. Allele origin: germline.

NM_001942.4(DSG1):c.2537C>G (p.Thr846Ser)

Genes: DSG1 (desmoglein 1; plus strand), DSG1-AS1 (DSG1 antisense RNA 1; minus strand), LOC126862720 (MED14-independent group 3 enhancer GRCh37_chr18:28933613-28934812; plus strand). Cytogenetic location: 18q12.1.
Variant type: single nucleotide variant.
Coding change: c.2537C>G on transcript NM_001942.4 (MANE Select); coding-DNA position 2537, C replaced by G.
Protein change: p.Thr846Ser; replaces threonine 846 with serine.
Molecular consequence: missense variant.
Genome position (GRCh38, 1-based): chr18:31,354,733, C>G. VCF-style: chr18-31354733-C-G. GRCh37 (hg19) VCF-style: chr18-28934696-C-G.
Other names: c.2537C>G (NM_001942.2); short protein forms T846S.
Identifiers: ClinVar variation 2713703 (VCV002713703.4), dbSNP rs374988884, ClinGen allele CA8926382.